The following is an entry in ClinVar:

ClinVar aggregate classification (germline): Likely benign. Review status: criteria provided, multiple submitters, no conflicts (2 of 4 stars). 3 submissions from 3 submitters: Likely benign (3). Last evaluated 2025-05-15.

Conditions:
Baraitser-Winter syndrome 1 (BRWS1). Also called: BARAITSER-WINTER SYNDROME 1, ATYPICAL; PACHYGYRIA, MENTAL RETARDATION, EPILEPSY, AND CHARACTERISTIC FACIES; MENTAL RETARDATION WITH EPILEPSY AND CHARACTERISTIC FACIES; Cerebrofrontofacial syndrome. Identifiers: Orphanet 2649, Orphanet 2995, MedGen C1855722, MONDO:0009470, OMIM 243310.

Allele frequency attached by ClinVar (database versions not stated): gnomAD exomes below 0.00001; ExAC 0.00001; TOPMed 0.00001.
gnomAD v4.1: 5 of 1,611,592 alleles (0.00031%); highest among the groups gnomAD compares: Admixed American, 0.0017%; no homozygotes.

Submissions (3):

Mayo Clinic Laboratories, Mayo Clinic
Classification: Likely benign. Last evaluated: 2025-05-15. Review status: criteria provided, single submitter. Criteria: ACMG Guidelines, 2015. Collection method: clinical testing. Allele origin: germline. Observed: 1 variant allele.
Comment: BP4, BP7

Labcorp Genetics (formerly Invitae), Labcorp
Classification: Likely benign for Baraitser-Winter syndrome 1. Last evaluated: 2024-07-30. Review status: criteria provided, single submitter. Criteria: Invitae Variant Classification Sherloc (09022015). Collection method: clinical testing. Allele origin: germline.

Women's Health and Genetics/Laboratory Corporation of America, LabCorp
Classification: Likely benign. Last evaluated: 2024-05-23. Review status: criteria provided, single submitter. Criteria: LabCorp Variant Classification Summary - May 2015. Collection method: clinical testing. Allele origin: germline.
Comment: Variant summary: ACTB c.102C>T alters a conserved nucleotide resulting in a synonymous change. The variant allele was found at a frequency of 4.1e-06 in 242362 control chromosomes. The available data on variant occurrences in the general population are insufficient to allow any conclusion about variant significance. To our knowledge, no occurrence of c.102C>T in individuals affected with Baraitser-Winter Syndrome 1 and no experimental evidence demonstrating its impact on protein function have been reported. ClinVar contains an entry for this variant (Variation ID: 2715632). Based on the evidence outlined above, the variant was classified as likely benign.

NM_001101.5(ACTB):c.102C>T (p.Ile34=)

Gene: ACTB (actin beta; minus strand). Cytogenetic location: 7p22.1.
Variant type: single nucleotide variant.
Coding change: c.102C>T on transcript NM_001101.5 (MANE Select); coding-DNA position 102, C replaced by T.
Protein change: p.Ile34=; no amino-acid change (isoleucine 34 retained).
Molecular consequence: synonymous variant.
Genome position (GRCh38, 1-based): chr7:5,529,556, G>A on the plus strand (C>T on the coding strand, the complement: ACTB is on the minus strand). VCF-style: chr7-5529556-G-A. GRCh37 (hg19) VCF-style: chr7-5569187-G-A.
Other names: p.Ile34=.
Identifiers: ClinVar variation 2715632 (VCV002715632.5), dbSNP rs767960675, ClinGen allele CA4147193.